The following is an entry in ClinVar:

NM_022356.4(P3H1):c.1208T>C (p.Leu403Ser)

Gene: P3H1 (prolyl 3-hydroxylase 1; minus strand). Cytogenetic location: 1p34.2.
Variant type: single nucleotide variant.
Coding change: c.1208T>C on transcript NM_022356.4 (MANE Select); coding-DNA position 1208, T replaced by C.
Protein change: p.Leu403Ser; replaces leucine 403 with serine.
Molecular consequence: missense variant.
Genome position (GRCh38, 1-based): chr1:42,755,180, A>G on the plus strand (T>C on the coding strand, the complement: P3H1 is on the minus strand). VCF-style: chr1-42755180-A-G. GRCh37 (hg19) VCF-style: chr1-43220851-A-G.
Other names: c.1208T>C, p.Leu403Ser (NM_001146289.2, NM_001243246.2); short protein forms L403S.
Identifiers: ClinVar variation 536813 (VCV000536813.8), dbSNP rs143930669, ClinGen allele CA801934.
Genomic context (GRCh38, chr1:42,755,180, plus strand): 5'-CTTCATCAGACTGATCCAACCATGCAGTTTCTTCAAGGTCCTCACTTCTGTTTCTCTTGC[A>G]ATCTCTTGGGAATCACTTCTTCTGGAGTCCATGAATCCTAAGTAGGTCAGGAAGAAATGA-3'
Protein context (NP_071751.3, residues 393-413): WTPEEVIPKR[Leu403Ser]QEKQKSERET

ClinVar aggregate classification (germline): Uncertain significance. Review status: criteria provided, multiple submitters, no conflicts (2 of 4 stars). 3 submissions from 3 submitters: Uncertain significance (3). Last evaluated 2023-04-11.

Conditions:
Inborn genetic diseases. Identifiers: MedGen C0950123, MeSH D030342.
Osteogenesis imperfecta type 8 (OI8). Identifiers: MedGen C1970458, MONDO:0012581, OMIM 610915.

Allele frequency attached by ClinVar (database versions not stated): gnomAD 0.00003 and 0.00005; gnomAD exomes 0.00006 and 0.00007; ExAC 0.00007; TOPMed 0.00007; ESP Exome Variant Server 0.00031.

Submissions (3):

Genome-Nilou Lab
Classification: Uncertain significance for Osteogenesis imperfecta type 8. Last evaluated: 2023-04-11. Review status: criteria provided, single submitter. Criteria: ACMG Guidelines, 2015. Collection method: clinical testing. Allele origin: germline. Affected: no.

Ambry Genetics
Classification: Uncertain significance for Inborn genetic diseases. Last evaluated: 2023-02-16. Review status: criteria provided, single submitter. Criteria: Ambry Variant Classification Scheme 2023. Collection method: clinical testing. Allele origin: germline.

Labcorp Genetics (formerly Invitae), Labcorp
Classification: Uncertain significance for Osteogenesis imperfecta type 8. Last evaluated: 2022-10-17. Review status: criteria provided, single submitter. Criteria: Invitae Variant Classification Sherloc (09022015). Collection method: clinical testing. Allele origin: germline.
Comment: This sequence change replaces leucine, which is neutral and non-polar, with serine, which is neutral and polar, at codon 403 of the P3H1 protein (p.Leu403Ser). This variant is present in population databases (rs143930669, gnomAD 0.01%). This variant has not been reported in the literature in individuals affected with P3H1-related conditions. ClinVar contains an entry for this variant (Variation ID: 536813). Algorithms developed to predict the effect of missense changes on protein structure and function are either unavailable or do not agree on the potential impact of this missense change (SIFT: "Deleterious"; PolyPhen-2: "Probably Damaging"; Align-GVGD: "Class C15"). In summary, the available evidence is currently insufficient to determine the role of this variant in disease. Therefore, it has been classified as a Variant of Uncertain Significance.